The following is an entry in ClinVar:

ClinVar aggregate classification (germline): Uncertain significance. Review status: criteria provided, multiple submitters, no conflicts (2 of 4 stars). 3 submissions from 3 submitters: Uncertain significance (3). Last evaluated 2025-10-18.

Conditions:
TNF receptor-associated periodic fever syndrome (TRAPS) (FPF). Also called: Autosomal Dominant Familial Periodic Fever; TNF receptor 1-associated periodic fever syndrome; FAMILIAL HIBERNIAN FEVER; TNF RECEPTOR-ASSOCIATED PERIODIC SYNDROME; TUMOR NECROSIS FACTOR RECEPTOR-ASSOCIATED PERIODIC SYNDROME; TNF Receptor-Associated Periodic Fever Syndrome. Identifiers: Orphanet 32960, MedGen C1275126, MONDO:0007727, OMIM 142680.

Allele frequency attached by ClinVar (database versions not stated): gnomAD exomes below 0.00001 and 0.00001; TOPMed below 0.00001.
gnomAD v4.1: 5 of 1,582,984 alleles (0.00032%); highest among the groups gnomAD compares: Non-Finnish European, 0.00026%; no homozygotes.

Submissions (3):

Labcorp Genetics (formerly Invitae), Labcorp
Classification: Uncertain significance for TNF receptor-associated periodic fever syndrome (TRAPS). Last evaluated: 2025-10-18. Review status: criteria provided, single submitter. Criteria: Invitae Variant Classification Sherloc (09022015). Collection method: clinical testing. Allele origin: germline.
Comment: This sequence change replaces glutamic acid, which is acidic and polar, with glycine, which is neutral and non-polar, at codon 419 of the TNFRSF1A protein (p.Glu419Gly). The frequency data for this variant in the population databases is considered unreliable, as metrics indicate poor data quality at this position in the gnomAD database. This variant has not been reported in the literature in individuals affected with TNFRSF1A-related conditions. ClinVar contains an entry for this variant (Variation ID: 569017). Invitae Evidence Modeling of protein sequence and biophysical properties (such as structural, functional, and spatial information, amino acid conservation, physicochemical variation, residue mobility, and thermodynamic stability) has been performed for this missense variant. However, the output from this modeling did not meet the statistical confidence thresholds required to predict the impact of this variant on TNFRSF1A protein function. In summary, the available evidence is currently insufficient to determine the role of this variant in disease. Therefore, it has been classified as a Variant of Uncertain Significance.

Laboratorio de Genetica e Diagnostico Molecular, Hospital Israelita Albert Einstein
Classification: Uncertain significance for TNF receptor-associated periodic fever syndrome (TRAPS). Last evaluated: 2022-03-31. Review status: criteria provided, single submitter. Criteria: ACMG Guidelines, 2015. Collection method: clinical testing. Allele origin: germline. Affected: yes. Observed: 1 variant allele.
Comment: ACMG classification criteria: PM2 moderated

ARUP Laboratories, Molecular Genetics and Genomics, ARUP Laboratories
Classification: Uncertain significance. Last evaluated: 2020-01-20. Review status: criteria provided, single submitter. Criteria: ARUP Molecular Germline Variant Investigation Process. Collection method: clinical testing. Allele origin: germline.
Comment: The TNFRSF1A c.1256A>G; p.Glu419Gly variant (rs1454639907), to our knowledge, is not reported in the medical literature. The variant is listed in the ClinVar database (Variation ID: 569017) and in the general population with an overall allele frequency of 0.001% (2/206,194 alleles) in the Genome Aggregation Database. The glutamic acid at codon 419 is moderately conserved, and computational analyses (SIFT: Damaging, PolyPhen-2: Benign) predict conflicting effects of this variant on protein structure/function. Due to limited information, the clinical significance of the p.Glu419Gly variant is uncertain at this time.

NM_001065.4(TNFRSF1A):c.1256A>G (p.Glu419Gly)

Gene: TNFRSF1A (TNF receptor superfamily member 1A; minus strand). Cytogenetic location: 12p13.31.
Variant type: single nucleotide variant.
Coding change: c.1256A>G on transcript NM_001065.4 (MANE Select); coding-DNA position 1256, A replaced by G.
Protein change: p.Glu419Gly; replaces glutamic acid 419 with glycine.
Molecular consequence: missense variant. On other transcripts: non-coding transcript variant (1).
Genome position (GRCh38, 1-based): chr12:6,329,424, T>C on the plus strand (A>G on the coding strand, the complement: TNFRSF1A is on the minus strand). VCF-style: chr12-6329424-T-C. GRCh37 (hg19) VCF-style: chr12-6438590-T-C.
Other names: c.932A>G, p.Glu311Gly (NM_001346091.2); c.797A>G, p.Glu266Gly (NM_001346092.2); short protein forms E419G, E266G, E311G.
Identifiers: ClinVar variation 569017 (VCV000569017.17), dbSNP rs1454639907, ClinGen allele CA383544627.